The following is an entry in ClinVar:

NM_001190274.2(FBXO11):c.863T>C (p.Ile288Thr)

Gene: FBXO11 (F-box protein 11; minus strand). Cytogenetic location: 2p16.3.
Variant type: single nucleotide variant.
Coding change: c.863T>C on transcript NM_001190274.2 (MANE Select); coding-DNA position 863, T replaced by C.
Protein change: p.Ile288Thr; replaces isoleucine 288 with threonine.
Molecular consequence: missense variant.
Genome position (GRCh38, 1-based): chr2:47,834,650, A>G on the plus strand (T>C on the coding strand, the complement: FBXO11 is on the minus strand). VCF-style: chr2-47834650-A-G. GRCh37 (hg19) VCF-style: chr2-48061789-A-G.
Other names: c.611T>C, p.Ile204Thr (NM_001374325.1, NM_025133.4); short protein forms I288T, I204T.
Identifiers: ClinVar variation 1914745 (VCV001914745.7), dbSNP rs765646332, ClinGen allele CA1650004.
Genomic context (GRCh38, chr2:47,834,650, plus strand): 5'-ATGGTGATTGGAGATTCAATATATATCCATTCATCAGTATATATTCCAGAATGAACAAAG[A>G]TAAGTCCATCAAAATGAGCCTCTTGTACCCCACCAAGGGCATCTTCAATAGTATCATAAT-3'
Protein context (NP_001177203.1, residues 278-298): GVQEAHFDGL[Ile288Thr]FVHSGIYTDE

ClinVar aggregate classification (germline): Uncertain significance. Review status: criteria provided, multiple submitters, no conflicts (2 of 4 stars). 3 submissions from 3 submitters: Uncertain significance (3). Last evaluated 2022-01-12.

Conditions:
Intellectual developmental disorder with dysmorphic facies and behavioral abnormalities. Identifiers: MedGen C4748135, MONDO:0060760, OMIM 618089.
Inborn genetic diseases. Identifiers: MedGen C0950123, MeSH D030342.

Allele frequency attached by ClinVar (database versions not stated): TOPMed below 0.00001; ExAC 0.00001; gnomAD 0.00001; gnomAD exomes 0.00002.
gnomAD v4.1: 36 of 1,609,836 alleles (0.0022%); highest among the groups gnomAD compares: Non-Finnish European, 0.0028%; no homozygotes.

Submissions (3):

Labcorp Genetics (formerly Invitae), Labcorp
Classification: Uncertain significance. Last evaluated: 2022-01-12. Review status: criteria provided, single submitter. Criteria: Invitae Variant Classification Sherloc (09022015). Collection method: clinical testing. Allele origin: germline.
Comment: This sequence change replaces isoleucine, which is neutral and non-polar, with threonine, which is neutral and polar, at codon 288 of the FBXO11 protein (p.Ile288Thr). This variant is present in population databases (rs765646332, gnomAD 0.003%). This variant has not been reported in the literature in individuals affected with FBXO11-related conditions. Algorithms developed to predict the effect of missense changes on protein structure and function are either unavailable or do not agree on the potential impact of this missense change (SIFT: "Deleterious"; PolyPhen-2: "Benign"; Align-GVGD: "Class C65"). In summary, the available evidence is currently insufficient to determine the role of this variant in disease. Therefore, it has been classified as a Variant of Uncertain Significance.

Ambry Genetics
Classification: Uncertain significance for Inborn genetic diseases. Last evaluated: 2021-08-09. Review status: criteria provided, single submitter. Criteria: Ambry Variant Classification Scheme 2023. Collection method: clinical testing. Allele origin: germline.

Neuberg Centre For Genomic Medicine, NCGM
Classification: Uncertain significance for Intellectual developmental disorder with dysmorphic facies and behavioral abnormalities. Review status: criteria provided, single submitter. Criteria: ACMG Guidelines, 2015. Collection method: clinical testing. Allele origin: germline. Inheritance: Autosomal dominant inheritance. Affected: yes.
Comment: The observed missense c.863T>Cp.Ile288Thr variant in FBXO11 gene has not been reported previously as a pathogenic variant nor as a benign variant, to our knowledge. This variant is present with an allele frequency of 0.01% in gnomAD Exomes database. This variant has been submitted to the ClinVar database as Uncertain significance. Multiple lines of computational evidence Polyphen - Probably Damaging, SIFT - Damaging and MutationTaster - Disease causing predict damaging effect on protein structure and function for this variant. The reference amino acid in FBXO11 is predicted as conserved by GERP++ and PhyloP across 100 vertebrates. The amino acid Ile at position 288 is changed to a Thr changing protein sequence and it might alter its composition and physico-chemical properties. For these reasons, this variant has been classified as Uncertain Significance VUS.